The following is an entry in ClinVar:

NM_014855.3(AP5Z1):c.2213C>T (p.Thr738Met)

Gene: AP5Z1 (adaptor related protein complex 5 subunit zeta 1; plus strand). Cytogenetic location: 7p22.1.
Variant type: single nucleotide variant.
Coding change: c.2213C>T on transcript NM_014855.3 (MANE Select); coding-DNA position 2213, C replaced by T.
Protein change: p.Thr738Met; replaces threonine 738 with methionine.
Molecular consequence: missense variant. On other transcripts: non-coding transcript variant (1).
Genome position (GRCh38, 1-based): chr7:4,791,174, C>T. VCF-style: chr7-4791174-C-T. GRCh37 (hg19) VCF-style: chr7-4830805-C-T.
Other names: c.1745C>T, p.Thr582Met (NM_001364858.1); short protein forms T738M, T582M.
Identifiers: ClinVar variation 948386 (VCV000948386.1), dbSNP rs1781757996, ClinGen allele CA366665563.

ClinVar aggregate classification (germline): Uncertain significance (1 of 4 stars; one submission).

Conditions:
Hereditary spastic paraplegia 48. Also called: SPASTIC PARAPLEGIA 48, AUTOSOMAL RECESSIVE; Spastic paraplegia 48. Identifiers: Orphanet 306511, MedGen C3150901, MONDO:0013342, OMIM 613647.

Allele frequency attached by ClinVar (database versions not stated): TOPMed below 0.00001; gnomAD exomes 0.00001.
gnomAD v4.1: 12 of 1,587,042 alleles (0.00076%); highest among the groups gnomAD compares: South Asian, 0.0022%; no homozygotes.

Submission:

Labcorp Genetics (formerly Invitae), Labcorp
Classification: Uncertain significance for Spastic paraplegia 48, autosomal recessive. Last evaluated: 2019-04-24. Review status: criteria provided, single submitter. Criteria: Invitae Variant Classification Sherloc (09022015). Collection method: clinical testing. Allele origin: germline.
Comment: This sequence change replaces threonine with methionine at codon 738 of the AP5Z1 protein (p.Thr738Met). The threonine residue is weakly conserved and there is a moderate physicochemical difference between threonine and methionine. This variant is not present in population databases (ExAC no frequency). This variant has not been reported in the literature in individuals with AP5Z1-related conditions. Algorithms developed to predict the effect of missense changes on protein structure and function output the following: SIFT: "Tolerated"; PolyPhen-2: "Benign"; Align-GVGD: "Class C0". The methionine amino acid residue is found in multiple mammalian species, suggesting that this missense change does not adversely affect protein function. These predictions have not been confirmed by published functional studies and their clinical significance is uncertain. In summary, the available evidence is currently insufficient to determine the role of this variant in disease. Therefore, it has been classified as a Variant of Uncertain Significance.